The following is an entry in ClinVar:

ClinVar aggregate classification (germline): Uncertain significance (1 of 4 stars; one submission).

Conditions:
Gastrointestinal stromal tumor. Also called: Gastrointestinal stromal tumor, somatic; Gastrointestinal stroma tumor. Identifiers: Orphanet 44890, MedGen C0238198, MeSH D046152, MONDO:0011719, OMIM 606764, HP:0100723.

Submission:

St. Jude Molecular Pathology, St. Jude Children's Research Hospital
Classification: Uncertain significance for Gastrointestinal stromal tumor. Last evaluated: 2022-01-03. Review status: criteria provided, single submitter. Criteria: St. Jude Assertion Criteria 2020. Collection method: clinical testing. Allele origin: germline.
Comment: The KIT c.1412A>C (p.Lys471Thr) missense change is absent in gnomAD v2.1.1. The in silico tool REVEL predicts a benign effect on protein function, but to our knowledge this prediction has not been confirmed by functional studies. To our knowledge, this variant has not been reported in individuals with KIT-related gastrointestinal stromal tumor. In summary, the evidence currently available is insufficient to determine the clinical significance of this variant. It has therefore been classified as of uncertain significance.

NM_000222.3(KIT):c.1412A>C (p.Lys471Thr)

Gene: KIT (KIT proto-oncogene, receptor tyrosine kinase; plus strand). Cytogenetic location: 4q12.
Variant type: single nucleotide variant.
Coding change: c.1412A>C on transcript NM_000222.3 (MANE Select); coding-DNA position 1412, A replaced by C.
Protein change: p.Lys471Thr; replaces lysine 471 with threonine.
Molecular consequence: missense variant.
Genome position (GRCh38, 1-based): chr4:54,725,922, A>C. VCF-style: chr4-54725922-A-C. GRCh37 (hg19) VCF-style: chr4-55592088-A-C.
Other names: c.1412A>C, p.Lys471Thr (NM_001093772.2, NM_001385285.1, NM_001385286.1); c.1415A>C, p.Lys472Thr (NM_001385284.1, NM_001385288.1, NM_001385290.1 and 1 more transcripts); short protein forms K471T, K472T.
Identifiers: ClinVar variation 2444900 (VCV002444900.1), dbSNP rs2475536501, ClinGen allele CA356906337.